The following is an entry in ClinVar:

ClinVar aggregate classification (germline): Uncertain significance (1 of 4 stars; one submission).

Conditions:
Joubert syndrome. Also called: CEREBELLOPARENCHYMAL DISORDER IV; JOUBERT-BOLTSHAUSER SYNDROME; Familial aplasia of the vermis. Identifiers: Orphanet 475, MedGen C5979921, MONDO:0018772.

Submission:

Labcorp Genetics (formerly Invitae), Labcorp
Classification: Uncertain significance for Joubert syndrome. Last evaluated: 2022-02-02. Review status: criteria provided, single submitter. Criteria: Invitae Variant Classification Sherloc (09022015). Collection method: clinical testing. Allele origin: germline.
Comment: This sequence change replaces arginine, which is basic and polar, with proline, which is neutral and non-polar, at codon 79 of the INPP5E protein (p.Arg79Pro). This variant is not present in population databases (gnomAD no frequency). This variant has not been reported in the literature in individuals affected with INPP5E-related conditions. Algorithms developed to predict the effect of missense changes on protein structure and function are either unavailable or do not agree on the potential impact of this missense change (SIFT: "Deleterious"; PolyPhen-2: "Possibly Damaging"; Align-GVGD: "Class C0"). In summary, the available evidence is currently insufficient to determine the role of this variant in disease. Therefore, it has been classified as a Variant of Uncertain Significance.

NM_019892.6(INPP5E):c.236G>C (p.Arg79Pro)

Gene: INPP5E (inositol polyphosphate-5-phosphatase E; minus strand). Cytogenetic location: 9q34.3.
Variant type: single nucleotide variant.
Coding change: c.236G>C on transcript NM_019892.6 (MANE Select); coding-DNA position 236, G replaced by C.
Protein change: p.Arg79Pro; replaces arginine 79 with proline.
Molecular consequence: missense variant.
Genome position (GRCh38, 1-based): chr9:136,439,184, C>G on the plus strand (G>C on the coding strand, the complement: INPP5E is on the minus strand). VCF-style: chr9-136439184-C-G. GRCh37 (hg19) VCF-style: chr9-139333636-C-G.
Other names: c.236G>C, p.Arg79Pro (NM_001318502.2); short protein forms R79P.
Identifiers: ClinVar variation 2047490 (VCV002047490.4), dbSNP rs1159056595, ClinGen allele CA375570465.